The following is an entry in ClinVar:

ClinVar aggregate classification (germline): Pathogenic (1 of 4 stars; one submission).

Submission:

Labcorp Genetics (formerly Invitae), Labcorp
Classification: Pathogenic. Last evaluated: 2022-02-14. Review status: criteria provided, single submitter. Criteria: Invitae Variant Classification Sherloc (09022015). Collection method: clinical testing. Allele origin: germline.
Comment: For these reasons, this variant has been classified as Pathogenic. This variant has not been reported in the literature in individuals affected with USH2A-related conditions. This variant is not present in population databases (gnomAD no frequency). This sequence change creates a premature translational stop signal (p.Val1261Argfs*16) in the USH2A gene. It is expected to result in an absent or disrupted protein product. Loss-of-function variants in USH2A are known to be pathogenic (PMID: 10729113, 10909849, 20507924, 25649381).

Literature cited by the submitters: PubMed 10729113; PubMed 10909849; PubMed 20507924; PubMed 25649381.

NM_206933.4(USH2A):c.3781_3782del (p.Val1261fs)

Genes: USH2A (usherin; minus strand), USH2A-AS1 (USH2A antisense RNA 1; plus strand). Cytogenetic location: 1q41.
Variant type: Deletion.
Coding change: c.3781_3782del on transcript NM_206933.4 (MANE Select); coding-DNA positions 3781 to 3782, 2 bases deleted (GT; older notation c.3781_3782delGT).
Protein change: p.Val1261fs; shifts the reading frame from valine 1261.
Molecular consequence: frameshift variant.
Genome position (GRCh38, 1-based): chr1:216,199,656-216,199,657, AC deleted on the plus strand (GT on the coding strand, the reverse complement: USH2A is on the minus strand); deleting any 2 consecutive bases within chr1:216,199,656-216,199,658 gives the same sequence; the c. name uses the placement nearest the transcript's 3' end. VCF-style (leftmost placement, unchanged base first): chr1-216199655-TAC-T. GRCh37 (hg19) VCF-style: chr1-216372997-TAC-T.
Other names: c.3781_3782del, p.Val1261fs (NM_007123.6); short protein forms V1261fs.
Identifiers: ClinVar variation 2089896 (VCV002089896.4), dbSNP rs2528045266, ClinGen allele CA2580062137.